The following is an entry in ClinVar:

NM_152594.3(SPRED1):c.643C>A (p.Gln215Lys)

Gene: SPRED1 (sprouty related EVH1 domain containing 1; plus strand). Cytogenetic location: 15q14.
Variant type: single nucleotide variant.
Coding change: c.643C>A on transcript NM_152594.3 (MANE Select); coding-DNA position 643, C replaced by A.
Protein change: p.Gln215Lys; replaces glutamine 215 with lysine.
Molecular consequence: missense variant.
Genome position (GRCh38, 1-based): chr15:38,349,482, C>A. VCF-style: chr15-38349482-C-A. GRCh37 (hg19) VCF-style: chr15-38641683-C-A.
Other names: short protein forms Q215K.
Identifiers: ClinVar variation 5030141 (VCV005030141.1).

ClinVar aggregate classification (germline): Uncertain significance (1 of 4 stars; one submission).

Conditions:
Cardiovascular phenotype. Identifiers: MedGen CN230736.

Submission:

Ambry Genetics
Classification: Uncertain significance for Cardiovascular phenotype. Last evaluated: 2026-09-07. Review status: criteria provided, single submitter. Criteria: Ambry Variant Classification Scheme 2023. Collection method: clinical testing. Allele origin: germline.
Comment: The p.Q215K variant (also known as c.643C>A), located in coding exon 6 of the SPRED1 gene, results from a C to A substitution at nucleotide position 643. The glutamine at codon 215 is replaced by lysine, an amino acid with similar properties. This amino acid position is conserved. In addition, this alteration is predicted to be tolerated by in silico analysis. Based on the available evidence, the clinical significance of this variant remains unclear.